The following is an entry in ClinVar:

NM_170699.3(GPBAR1):c.559C>T (p.Arg187Cys)

Gene: GPBAR1 (G protein-coupled bile acid receptor 1; plus strand). Cytogenetic location: 2q35.
Variant type: single nucleotide variant.
Coding change: c.559C>T on transcript NM_170699.3 (MANE Select); coding-DNA position 559, C replaced by T.
Protein change: p.Arg187Cys; replaces arginine 187 with cysteine.
Molecular consequence: missense variant.
Genome position (GRCh38, 1-based): chr2:218,263,283, C>T. VCF-style: chr2-218263283-C-T. GRCh37 (hg19) VCF-style: chr2-219128006-C-T.
Other names: c.559C>T, p.Arg187Cys (NM_001077191.2, NM_001077194.2, NM_001321950.2); c.559C>T (NM_001321950.1); short protein forms R187C.
Identifiers: ClinVar variation 501085 (VCV000501085.7), dbSNP rs200183179, ClinGen allele CA2102615.

ClinVar aggregate classification (germline): Uncertain significance. Review status: criteria provided, multiple submitters, no conflicts (2 of 4 stars). 3 submissions from 3 submitters: Uncertain significance (3). Last evaluated 2025-06-16.

Conditions:
GPBAR1-related disorder. Also called: GPBAR1-related condition.

Allele frequency attached by ClinVar (database versions not stated): gnomAD 0.00013 and 0.00015; gnomAD exomes 0.00013 and 0.00017; TOPMed 0.00014; ESP Exome Variant Server 0.00016; ExAC 0.00018.

Submissions (3):

PreventionGenetics, part of Exact Sciences
Classification: Uncertain significance for GPBAR1-related condition. Last evaluated: 2025-06-16. Review status: criteria provided, single submitter. Criteria: ACMG Guidelines, 2015. Collection method: clinical testing. Allele origin: germline.
Comment: The GPBAR1 c.559C>T variant is predicted to result in the amino acid substitution p.Arg187Cys. To our knowledge, this variant has not been reported in the literature. This variant is reported in 0.025% of alleles in individuals of European (Non-Finnish) descent in gnomAD. Although we suspect that this variant may be benign, at this time, the clinical significance of this variant is uncertain due to the absence of conclusive functional and genetic evidence.

Eurofins Ntd Llc (ga)
Classification: Uncertain significance. Last evaluated: 2018-08-17. Review status: criteria provided, single submitter. Criteria: EGL ClinVar v180209 classification definitions. Collection method: clinical testing. Allele origin: germline. Observed: 3 variant alleles, 3 heterozygotes.

Breakthrough Genomics
Classification: Uncertain significance. Review status: criteria provided, single submitter. Criteria: ACMG Guidelines, 2015. Collection method: not provided. Allele origin: germline. Inheritance: Unknown mechanism. Affected: yes.